The following is an entry in ClinVar:

NM_212482.4(FN1):c.2808C>G (p.Gly936=)

Gene: FN1 (fibronectin 1; minus strand). Cytogenetic location: 2q35.
Variant type: single nucleotide variant.
Coding change: c.2808C>G on transcript NM_212482.4 (MANE Select); coding-DNA position 2808, C replaced by G.
Protein change: p.Gly936=; no amino-acid change (glycine 936 retained).
Molecular consequence: synonymous variant.
Genome position (GRCh38, 1-based): chr2:215,406,416, G>C on the plus strand (C>G on the coding strand, the complement: FN1 is on the minus strand). VCF-style: chr2-215406416-G-C. GRCh37 (hg19) VCF-style: chr2-216271139-G-C.
Other names: c.2808C>G, p.Gly936= (NM_001365520.2, NM_001365521.2, NM_001365522.2 and 13 more transcripts).
Identifiers: ClinVar variation 716905 (VCV000716905.17), dbSNP rs76490370, ClinGen allele CA2094867.

ClinVar aggregate classification (germline): Benign/Likely benign. Review status: criteria provided, multiple submitters, no conflicts (2 of 4 stars). 6 submissions from 6 submitters: Benign (3); Likely benign (2). 1 of the submissions does not count toward it. Last evaluated 2026-05-01.

Conditions:
FN1-related disorder. Also called: FN1-related condition.

Allele frequency attached by ClinVar (database versions not stated): gnomAD exomes 0.00019 and 0.00050; ExAC 0.00068; gnomAD 0.00204 and 0.00221; TOPMed 0.00231; 1000 Genomes Project 0.00240; ESP Exome Variant Server 0.00246; 1000 Genomes Project 30x 0.00328.
gnomAD v4.1: 599 of 1,614,198 alleles (0.037%); highest among the groups gnomAD compares: African/African-American, 0.74%; 3 homozygotes.

Submissions (6):

CeGaT Center for Human Genetics Tuebingen
Classification: Likely benign. Last evaluated: 2026-05-01. Review status: criteria provided, single submitter. Criteria: CeGaT Center For Human Genetics Tuebingen Variant Classification Criteria Version 2. Collection method: clinical testing. Allele origin: germline. Affected: yes. Observed: 1 variant allele.
Comment: FN1: BP4, BP7

Labcorp Genetics (formerly Invitae), Labcorp
Classification: Benign. Last evaluated: 2025-12-10. Review status: criteria provided, single submitter. Criteria: Invitae Variant Classification Sherloc (09022015). Collection method: clinical testing. Allele origin: germline.

Blueprint Genetics
Classification: Likely benign. Last evaluated: 2024-04-15. Review status: criteria provided, single submitter. Criteria: ACMG Guidelines, 2015. Collection method: clinical testing. Allele origin: germline.

GeneDx
Classification: Benign. Last evaluated: 2020-05-04. Review status: criteria provided, single submitter. Criteria: GeneDx Variant Classification Process June 2021. Collection method: clinical testing. Allele origin: germline. Affected: yes.

Breakthrough Genomics
Classification: Benign. Review status: criteria provided, single submitter. Criteria: ACMG Guidelines, 2015. Collection method: not provided. Allele origin: germline. Inheritance: Autosomal dominant inheritance. Affected: yes.

PreventionGenetics, part of Exact Sciences
Classification: Benign for FN1-related condition. Last evaluated: 2024-09-05. Review status: no assertion criteria provided. Collection method: clinical testing. Allele origin: germline. Not counted in ClinVar's aggregate classification.
Comment: This variant is classified as benign based on ACMG/AMP sequence variant interpretation guidelines (Richards et al. 2015 PMID: 25741868, with internal and published modifications).